The following is an entry in ClinVar:

ClinVar aggregate classification (germline): Uncertain significance (0 of 4 stars; one submission).

Conditions:
COL4A1-related disorder. Also called: COL4A1-related disorders; COL4A1-related condition. Identifiers: MedGen CN376119, MONDO:0800461.

Submission:

PreventionGenetics, part of Exact Sciences
Classification: Uncertain significance for COL4A1-related condition. Last evaluated: 2024-03-19. Review status: no assertion criteria provided. Collection method: clinical testing. Allele origin: germline.
Comment: The COL4A1 c.4139A>G variant is predicted to result in the amino acid substitution p.Lys1380Arg. To our knowledge, this variant has not been reported in the literature or in a large population database, indicating this variant is rare. At this time, the clinical significance of this variant is uncertain due to the absence of conclusive functional and genetic evidence.

NM_001845.6(COL4A1):c.4139A>G (p.Lys1380Arg)

Gene: COL4A1 (collagen type IV alpha 1 chain; minus strand). Cytogenetic location: 13q34.
Variant type: single nucleotide variant.
Coding change: c.4139A>G on transcript NM_001845.6 (MANE Select); coding-DNA position 4139, A replaced by G.
Protein change: p.Lys1380Arg; replaces lysine 1380 with arginine.
Molecular consequence: missense variant.
Genome position (GRCh38, 1-based): chr13:110,164,873, T>C on the plus strand (A>G on the coding strand, the complement: COL4A1 is on the minus strand). VCF-style: chr13-110164873-T-C. GRCh37 (hg19) VCF-style: chr13-110817220-T-C.
Other names: short protein forms K1380R.
Identifiers: ClinVar variation 3349384 (VCV003349384.1).